The following is an entry in ClinVar:

ClinVar aggregate classification (germline): Benign/Likely benign. Review status: criteria provided, multiple submitters, no conflicts (2 of 4 stars). 7 submissions from 7 submitters: Benign (1); Likely benign (6). Last evaluated 2025-10-31.

Conditions:
Hereditary cancer-predisposing syndrome. Also called: Neoplastic Syndromes, Hereditary; Tumor predisposition; Hereditary Cancer Syndrome; Hereditary neoplastic syndrome. Identifiers: Orphanet 140162, MedGen C0027672, MeSH D009386, MONDO:0015356.
Breast-ovarian cancer, familial, susceptibility to, 4. Identifiers: Orphanet 145, MedGen C3280345, MONDO:0013669, OMIM 614291.

Allele frequency attached by ClinVar (database versions not stated): TOPMed 0.00003; 1000 Genomes Project 0.00020; 1000 Genomes Project 30x 0.00031.
gnomAD v4.1: 6 of 1,614,134 alleles (0.00037%); highest among the groups gnomAD compares: Admixed American, 0.0083%; no homozygotes.

Submissions (7):

Labcorp Genetics (formerly Invitae), Labcorp
Classification: Likely benign for Breast-ovarian cancer, familial, susceptibility to, 4. Last evaluated: 2025-10-31. Review status: criteria provided, single submitter. Criteria: Invitae Variant Classification Sherloc (09022015). Collection method: clinical testing. Allele origin: germline.

Women's Health and Genetics/Laboratory Corporation of America, LabCorp
Classification: Likely benign. Last evaluated: 2025-03-24. Review status: criteria provided, single submitter. Criteria: LabCorp Variant Classification Summary - May 2015. Collection method: clinical testing. Allele origin: germline.

Myriad Genetics, Inc.
Classification: Benign for Breast-ovarian cancer, familial, susceptibility to, 4. Last evaluated: 2025-02-25. Review status: criteria provided, single submitter. Criteria: Myriad Autosomal Dominant, Autosomal Recessive and X-Linked Classification Criteria (2023). Collection method: clinical testing. Allele origin: unknown.
Comment: This variant is considered benign. This variant is a silent/synonymous amino acid change and it is not expected to impact splicing.

Sema4
Classification: Likely benign for Hereditary cancer-predisposing syndrome. Last evaluated: 2022-02-13. Review status: criteria provided, single submitter. Criteria: Sema4 Curation Guidelines. Collection method: curation. Allele origin: germline.

Color Diagnostics, LLC DBA Color Health
Classification: Likely benign for Hereditary cancer-predisposing syndrome. Last evaluated: 2019-12-20. Review status: criteria provided, single submitter. Criteria: ACMG Guidelines, 2015. Collection method: clinical testing. Allele origin: germline.

Quest Diagnostics Nichols Institute San Juan Capistrano
Classification: Likely benign. Last evaluated: 2018-03-29. Review status: criteria provided, single submitter. Criteria: Quest Diagnostics criteria. Collection method: clinical testing. Allele origin: germline.

Ambry Genetics
Classification: Likely benign for Hereditary cancer-predisposing syndrome. Last evaluated: 2017-04-27. Review status: criteria provided, single submitter. Criteria: Ambry Variant Classification Scheme 2023. Collection method: clinical testing. Allele origin: germline.

NM_002878.4(RAD51D):c.879G>C (p.Ala293=)

Genes: RAD51L3-RFFL (RAD51L3-RFFL readthrough; minus strand), RAD51D (RAD51 paralog D; minus strand). Cytogenetic location: 17q12.
Variant type: single nucleotide variant.
Coding change: c.879G>C on transcript NM_002878.4 (MANE Select); coding-DNA position 879, G replaced by C.
Protein change: p.Ala293=; no amino-acid change (alanine 293 retained).
Molecular consequence: synonymous variant. On other transcripts: non-coding transcript variant (3).
Genome position (GRCh38, 1-based): chr17:35,101,225, C>G on the plus strand (G>C on the coding strand, the complement: RAD51D is on the minus strand). VCF-style: chr17-35101225-C-G. GRCh37 (hg19) VCF-style: chr17-33428244-C-G.
Other names: c.939G>C, p.Ala313= (NM_001142571.2); c.543G>C, p.Ala181= (NM_133629.3).
Identifiers: ClinVar variation 472629 (VCV000472629.22), dbSNP rs368209468, ClinGen allele CA8499329.